The following is an entry in ClinVar:

ClinVar aggregate classification (germline): Uncertain significance (1 of 4 stars; one submission).

Allele frequency attached by ClinVar (database versions not stated): TOPMed below 0.00001.
gnomAD v4.1: 4 of 1,533,918 alleles (0.00026%); highest among the groups gnomAD compares: Non-Finnish European, 0.00035%; no homozygotes.

Submission:

Labcorp Genetics (formerly Invitae), Labcorp
Classification: Uncertain significance. Last evaluated: 2022-05-21. Review status: criteria provided, single submitter. Criteria: Invitae Variant Classification Sherloc (09022015). Collection method: clinical testing. Allele origin: germline.
Comment: In summary, the available evidence is currently insufficient to determine the role of this variant in disease. Therefore, it has been classified as a Variant of Uncertain Significance. Algorithms developed to predict the effect of missense changes on protein structure and function are either unavailable or do not agree on the potential impact of this missense change (SIFT: "Tolerated"; PolyPhen-2: "Not Available"; Align-GVGD: "Class C0"). This variant has not been reported in the literature in individuals affected with TGFB1-related conditions. This variant is not present in population databases (gnomAD no frequency). This sequence change replaces leucine, which is neutral and non-polar, with proline, which is neutral and non-polar, at codon 13 of the TGFB1 protein (p.Leu13Pro).

NM_000660.7(TGFB1):c.38T>C (p.Leu13Pro)

Gene: TGFB1 (transforming growth factor beta 1; minus strand). Cytogenetic location: 19q13.2.
Variant type: single nucleotide variant.
Coding change: c.38T>C on transcript NM_000660.7 (MANE Select); coding-DNA position 38, T replaced by C.
Protein change: p.Leu13Pro; replaces leucine 13 with proline.
Molecular consequence: missense variant.
Genome position (GRCh38, 1-based): chr19:41,353,007, A>G on the plus strand (T>C on the coding strand, the complement: TGFB1 is on the minus strand). VCF-style: chr19-41353007-A-G. GRCh37 (hg19) VCF-style: chr19-41858912-A-G.
Other names: short protein forms L13P.
Identifiers: ClinVar variation 1994131 (VCV001994131.4), dbSNP rs1301271356, ClinGen allele CA406006442.